The following is an entry in ClinVar:

ClinVar aggregate classification (germline): Uncertain significance. Review status: criteria provided, multiple submitters, no conflicts (2 of 4 stars). 2 submissions from 2 submitters: Uncertain significance (2). Last evaluated 2024-12-10.

Conditions:
Autosomal recessive nonsyndromic hearing loss 9. Also called: NEUROSENSORY NONSYNDROMIC RECESSIVE DEAFNESS 9; AUDITORY NEUROPATHY, AUTOSOMAL RECESSIVE, 1, TEMPERATURE-SENSITIVE; Deafness, autosomal recessive 9; OTOF-Related Hearing Loss. Identifiers: Orphanet 90636, MedGen C1832828, MONDO:0010986, OMIM 601071.

Allele frequency attached by ClinVar (database versions not stated): TOPMed 0.00001; gnomAD exomes 0.00002 and below 0.00001; 1000 Genomes Project 0.00020; gnomAD 0.00001; 1000 Genomes Project 30x 0.00016.
gnomAD v4.1: 9 of 1,613,810 alleles (0.00056%); highest among the groups gnomAD compares: East Asian, 0.016%; no homozygotes.

Submissions (2):

GeneDx
Classification: Uncertain significance. Last evaluated: 2024-12-10. Review status: criteria provided, single submitter. Criteria: GeneDx Variant Classification Process June 2021. Collection method: clinical testing. Allele origin: germline. Affected: yes.
Comment: In silico analysis indicates that this missense variant does not alter protein structure/function; Has not been previously published as pathogenic or benign to our knowledge

Illumina Laboratory Services, Illumina
Classification: Uncertain significance for Autosomal recessive nonsyndromic hearing loss 9. Last evaluated: 2018-01-13. Review status: criteria provided, single submitter. Criteria: ICSL Variant Classification Criteria 13 December 2019. Collection method: clinical testing. Allele origin: germline.

NM_194248.3(OTOF):c.494A>T (p.Glu165Val)

Gene: OTOF (otoferlin; minus strand). Cytogenetic location: 2p23.3.
Variant type: single nucleotide variant.
Coding change: c.494A>T on transcript NM_194248.3 (MANE Select); coding-DNA position 494, A replaced by T.
Protein change: p.Glu165Val; replaces glutamic acid 165 with valine.
Molecular consequence: missense variant.
Genome position (GRCh38, 1-based): chr2:26,516,433, T>A on the plus strand (A>T on the coding strand, the complement: OTOF is on the minus strand). VCF-style: chr2-26516433-T-A. GRCh37 (hg19) VCF-style: chr2-26739301-T-A.
Other names: c.494A>T, p.Glu165Val (NM_001287489.2); short protein forms E165V.
Identifiers: ClinVar variation 899325 (VCV000899325.5), dbSNP rs202011111, ClinGen allele CA44434152.